The following is an entry in ClinVar:

ClinVar aggregate classification (germline): Uncertain significance (1 of 4 stars; one submission).

gnomAD v4.1: 1 of 1,611,890 alleles (0.000062%); highest among the groups gnomAD compares: South Asian, 0.0011%; no homozygotes.

Submission:

Ambry Genetics
Classification: Uncertain significance. Last evaluated: 2026-05-01. Review status: criteria provided, single submitter. Criteria: Ambry Variant Classification Scheme 2023. Collection method: clinical testing. Allele origin: germline.
Comment: The p.S1072C variant (also known as c.3215C>G), located in coding exon 12 of the WNK2 gene, results from a C to G substitution at nucleotide position 3215. The serine at codon 1072 is replaced by cysteine, an amino acid with dissimilar properties. This amino acid position is conserved. In addition, this alteration is predicted to be tolerated by in silico analysis. Based on the available evidence, the clinical significance of this variant remains unclear.

NM_006648.4(WNK2):c.3215C>G (p.Ser1072Cys)

Gene: WNK2 (WNK lysine deficient protein kinase 2; plus strand). Cytogenetic location: 9q22.31.
Variant type: single nucleotide variant.
Coding change: c.3215C>G on transcript NM_006648.4 (MANE Select); coding-DNA position 3215, C replaced by G.
Protein change: p.Ser1072Cys; replaces serine 1072 with cysteine.
Molecular consequence: missense variant.
Genome position (GRCh38, 1-based): chr9:93,261,962, C>G. VCF-style: chr9-93261962-C-G. GRCh37 (hg19) VCF-style: chr9-96024244-C-G.
Other names: c.3215C>G, p.Ser1072Cys (NM_001282394.3); short protein forms S1072C.
Identifiers: ClinVar variation 4866638 (VCV004866638.1).